The following is an entry in ClinVar:

ClinVar aggregate classification (germline): Uncertain significance (1 of 4 stars; one submission).

Conditions:
Autoimmune lymphoproliferative syndrome type 1. Also called: AUTOIMMUNE LYMPHOPROLIFERATIVE SYNDROME, TYPE I, AUTOSOMAL DOMINANT. Identifiers: Orphanet 3261, MedGen C2717884, MONDO:0011158, OMIM 601859.

Allele frequency attached by ClinVar (database versions not stated): gnomAD 0.00001; ESP Exome Variant Server 0.00008; gnomAD exomes below 0.00001; ExAC 0.00002; TOPMed 0.00001.
gnomAD v4.1: 3 of 1,613,946 alleles (0.00019%); highest among the groups gnomAD compares: Non-Finnish European, 0.00025%; no homozygotes.

Submission:

Labcorp Genetics (formerly Invitae), Labcorp
Classification: Uncertain significance for Autoimmune lymphoproliferative syndrome. Last evaluated: 2025-09-19. Review status: criteria provided, single submitter. Criteria: Invitae Variant Classification Sherloc (09022015). Collection method: clinical testing. Allele origin: germline.
Comment: This sequence change replaces phenylalanine, which is neutral and non-polar, with tyrosine, which is neutral and polar, at codon 133 of the FAS protein (p.Phe133Tyr). This variant is present in population databases (rs373422165, gnomAD 0.003%). This variant has not been reported in the literature in individuals affected with FAS-related conditions. ClinVar contains an entry for this variant (Variation ID: 2072689). An algorithm developed to predict the effect of missense changes on protein structure and function outputs the following: PolyPhen-2: "Possibly Damaging". The tyrosine amino acid residue is found in multiple mammalian species, which suggests that this missense change does not adversely affect protein function. In summary, the available evidence is currently insufficient to determine the role of this variant in disease. Therefore, it has been classified as a Variant of Uncertain Significance.

NM_000043.6(FAS):c.398T>A (p.Phe133Tyr)

Gene: FAS (Fas cell surface death receptor; plus strand). Cytogenetic location: 10q23.31.
Variant type: single nucleotide variant.
Coding change: c.398T>A on transcript NM_000043.6 (MANE Select); coding-DNA position 398, T replaced by A.
Protein change: p.Phe133Tyr; replaces phenylalanine 133 with tyrosine.
Molecular consequence: missense variant. On other transcripts: non-coding transcript variant (1).
Genome position (GRCh38, 1-based): chr10:89,008,952, T>A. VCF-style: chr10-89008952-T-A. GRCh37 (hg19) VCF-style: chr10-90768709-T-A.
Other names: c.398T>A, p.Phe133Tyr (NM_001320619.2, NM_152871.4, NM_152872.4); c.443T>A, p.Phe148Tyr (NM_001410956.1); short protein forms F148Y, F133Y.
Identifiers: ClinVar variation 2072689 (VCV002072689.4), dbSNP rs373422165, ClinGen allele CA5593100.
Genomic context (GRCh38, chr10:89,008,952, plus strand): 5'-TAGAAGTGGAAATAAACTGCACCCGGACCCAGAATACCAAGTGCAGATGTAAACCAAACT[T>A]TTTTTGTAACTCTACTGTATGTGAACACTGTGACCCTTGCACCAAGTAAGTTTTAGTCTT-3'
Protein context (NP_000034.1, residues 123-143): QNTKCRCKPN[Phe133Tyr]FCNSTVCEHC